The following is an entry in ClinVar:

NM_177438.3(DICER1):c.1642C>T (p.Gln548Ter)

Gene: DICER1 (dicer 1, ribonuclease III; minus strand). Cytogenetic location: 14q32.13.
Variant type: single nucleotide variant.
Coding change: c.1642C>T on transcript NM_177438.3 (MANE Select); coding-DNA position 1642, C replaced by T.
Protein change: p.Gln548Ter; replaces glutamine 548 with a stop codon.
Molecular consequence: nonsense. On other transcripts: 5 prime UTR variant (1), non-coding transcript variant (6).
Genome position (GRCh38, 1-based): chr14:95,116,563, G>A on the plus strand (C>T on the coding strand, the complement: DICER1 is on the minus strand). VCF-style: chr14-95116563-G-A. GRCh37 (hg19) VCF-style: chr14-95582900-G-A.
Other names: c.1642C>T, p.Gln548Ter (NM_001195573.1, NM_001271282.3, NM_001291628.2 and 12 more transcripts); c.1360C>T, p.Gln454Ter (NM_001395686.1); c.1237C>T, p.Gln413Ter (NM_001395687.1, NM_001395688.1, NM_001395689.1 and 3 more transcripts); c.1075C>T, p.Gln359Ter (NM_001395691.1); c.-42C>T (NM_001395697.1); short protein forms Q359*, Q413*, Q454*, Q548*.
Identifiers: ClinVar variation 1692080 (VCV001692080.2), dbSNP rs2140124358, ClinGen allele CA390884893.

ClinVar aggregate classification (germline): Pathogenic/Likely pathogenic. Review status: criteria provided, multiple submitters, no conflicts (2 of 4 stars). 2 submissions from 2 submitters: Pathogenic (1); Likely pathogenic (1). Last evaluated 2024-02-16.

Conditions:
Hereditary cancer-predisposing syndrome. Also called: Hereditary Cancer Syndrome; Hereditary neoplastic syndrome; Neoplastic Syndromes, Hereditary; Tumor predisposition. Identifiers: Orphanet 140162, MedGen C0027672, MeSH D009386, MONDO:0015356.

Submissions (2):

Ambry Genetics
Classification: Pathogenic for Hereditary cancer-predisposing syndrome. Last evaluated: 2024-02-16. Review status: criteria provided, single submitter. Criteria: Ambry Variant Classification Scheme 2023. Collection method: clinical testing. Allele origin: germline.
Comment: The p.Q548* pathogenic mutation (also known as c.1642C>T), located in coding exon 9 of the DICER1 gene, results from a C to T substitution at nucleotide position 1642. This changes the amino acid from a glutamine to a stop codon within coding exon 9. This variant has been observed in at least one individual with a personal and/or family history that is consistent with DICER1-related tumor predisposition syndrome (Ambry internal data). This variant is considered to be rare based on population cohorts in the Genome Aggregation Database (gnomAD). This alteration is expected to result in loss of function by premature protein truncation or nonsense-mediated mRNA decay. As such, this alteration is interpreted as a disease-causing mutation.

Sema4
Classification: Likely pathogenic for Hereditary cancer-predisposing syndrome. Last evaluated: 2021-08-13. Review status: criteria provided, single submitter. Criteria: Sema4 Curation Guidelines. Collection method: curation. Allele origin: germline.
Comment: To the best of our knowledge, the DICER1 c.1642C>T (p.Q548X) variant has not been reported in individuals with DICER1-related disease. This nonsense variant creates a premature stop codon at residue 548 of the DICER1 protein. At this location, this is predicted to cause nonsense-mediated decay and result in an absent protein (loss of function). Loss of function variants in DICER1 are known to be pathogenic (PMID: 21266384). This variant has not been reported in the population database Genome Aggregation Database (PMID: 32461654) or ClinVar. Based on the current evidence available, this variant is interpreted as likely pathogenic.

Literature cited by the submitters: PubMed 21266384 (cited by Sema4).